The following is an entry in ClinVar:

ClinVar aggregate classification (germline): Uncertain significance (1 of 4 stars; one submission).

Submission:

GeneDx
Classification: Uncertain significance. Last evaluated: 2024-12-05. Review status: criteria provided, single submitter. Criteria: GeneDx Variant Classification Process June 2021. Collection method: clinical testing. Allele origin: germline. Affected: yes.
Comment: Not observed at significant frequency in large population cohorts (gnomAD); In silico analysis indicates that this missense variant does not alter protein structure/function; Has not been previously published as pathogenic or benign to our knowledge; In silico analysis is inconclusive as to whether the variant alters gene splicing. In the absence of RNA/functional studies, the actual effect of this sequence change is unknown.

NM_004187.5(KDM5C):c.784A>G (p.Lys262Glu)

Gene: KDM5C (lysine demethylase 5C; minus strand). Cytogenetic location: Xp11.22.
Variant type: single nucleotide variant.
Coding change: c.784A>G on transcript NM_004187.5 (MANE Select); coding-DNA position 784, A replaced by G.
Protein change: p.Lys262Glu; replaces lysine 262 with glutamic acid.
Molecular consequence: missense variant. On other transcripts: non-coding transcript variant (3).
Genome position (GRCh38, 1-based): chrX:53,215,974, T>C on the plus strand (A>G on the coding strand, the complement: KDM5C is on the minus strand). VCF-style: chrX-53215974-T-C. GRCh37 (hg19) VCF-style: chrX-53245156-T-C.
Other names: c.583A>G, p.Lys195Glu (NM_001146702.2); c.781A>G, p.Lys261Glu (NM_001282622.3, NM_001353979.2, NM_001353982.2); c.784A>G, p.Lys262Glu (NM_001353978.3, NM_001353981.2, NM_001353984.2); short protein forms K195E, K261E, K262E.
Identifiers: ClinVar variation 3901763 (VCV003901763.1).